The following is an entry in ClinVar:

ClinVar aggregate classification (germline): Uncertain significance (1 of 4 stars; one submission).

Conditions:
Polyglucosan body myopathy type 2. Identifiers: Orphanet 456369, MedGen C4015452, MONDO:0014526, OMIM 616199.
Glycogen storage disease XV (GSD15). Also called: GLYCOGENIN DEFICIENCY; GSD XV. Identifiers: Orphanet 263297, MedGen C3150754, MONDO:0013291, OMIM 613507.

Allele frequency attached by ClinVar (database versions not stated): gnomAD exomes below 0.00001.

Submission:

Labcorp Genetics (formerly Invitae), Labcorp
Classification: Uncertain significance for Polyglucosan body myopathy type 2; Glycogen storage disease XV. Last evaluated: 2022-02-06. Review status: criteria provided, single submitter. Criteria: Invitae Variant Classification Sherloc (09022015). Collection method: clinical testing. Allele origin: germline.
Comment: This sequence change replaces alanine, which is neutral and non-polar, with valine, which is neutral and non-polar, at codon 19 of the GYG1 protein (p.Ala19Val). This variant is present in population databases (no rsID available, gnomAD 0.0009%). This variant has not been reported in the literature in individuals affected with GYG1-related conditions. Algorithms developed to predict the effect of missense changes on protein structure and function are either unavailable or do not agree on the potential impact of this missense change (SIFT: "Tolerated"; PolyPhen-2: "Possibly Damaging"; Align-GVGD: "Class C0"). In summary, the available evidence is currently insufficient to determine the role of this variant in disease. Therefore, it has been classified as a Variant of Uncertain Significance.

NM_004130.4(GYG1):c.56C>T (p.Ala19Val)

Gene: GYG1 (glycogenin 1; plus strand). Cytogenetic location: 3q24.
Variant type: single nucleotide variant.
Coding change: c.56C>T on transcript NM_004130.4 (MANE Select); coding-DNA position 56, C replaced by T.
Protein change: p.Ala19Val; replaces alanine 19 with valine.
Molecular consequence: missense variant.
Genome position (GRCh38, 1-based): chr3:148,994,190, C>T. VCF-style: chr3-148994190-C-T. GRCh37 (hg19) VCF-style: chr3-148711977-C-T.
Other names: c.56C>T, p.Ala19Val (NM_001184720.2, NM_001184721.2); short protein forms A19V.
Identifiers: ClinVar variation 2093928 (VCV002093928.4), dbSNP rs1362880220, ClinGen allele CA354909859.